The following is an entry in ClinVar:

ClinVar aggregate classification (germline): Uncertain significance (1 of 4 stars; one submission).

Conditions:
Joubert syndrome. Also called: JOUBERT-BOLTSHAUSER SYNDROME; Familial aplasia of the vermis. Identifiers: Orphanet 475, MedGen C5979921, MONDO:0018772.
Meckel-Gruber syndrome. Also called: DYSENCEPHALIA SPLANCHNOCYSTICA; GRUBER SYNDROME; Dysencephalia splachnocystica. Identifiers: Orphanet 564, MedGen C0265215, MONDO:0018921.

Submission:

Labcorp Genetics (formerly Invitae), Labcorp
Classification: Uncertain significance for Joubert syndrome; Meckel-Gruber syndrome. Last evaluated: 2025-04-07. Review status: criteria provided, single submitter. Criteria: Invitae Variant Classification Sherloc (09022015). Collection method: clinical testing. Allele origin: germline.
Comment: This sequence change replaces valine, which is neutral and non-polar, with glycine, which is neutral and non-polar, at codon 1150 of the CC2D2A protein (p.Val1150Gly). This variant is not present in population databases (gnomAD no frequency). This variant has not been reported in the literature in individuals affected with CC2D2A-related conditions. Invitae Evidence Modeling of protein sequence and biophysical properties (such as structural, functional, and spatial information, amino acid conservation, physicochemical variation, residue mobility, and thermodynamic stability) indicates that this missense variant is not expected to disrupt CC2D2A protein function with a negative predictive value of 95%. In summary, the available evidence is currently insufficient to determine the role of this variant in disease. Therefore, it has been classified as a Variant of Uncertain Significance.

NM_001378615.1(CC2D2A):c.3449T>G (p.Val1150Gly)

Genes: CC2D2A (coiled-coil and C2 domain containing 2A; plus strand), FBXL5 (F-box and leucine rich repeat protein 5; minus strand). Cytogenetic location: 4p15.32.
Variant type: single nucleotide variant.
Coding change: c.3449T>G on transcript NM_001378615.1 (MANE Select); coding-DNA position 3449, T replaced by G.
Protein change: p.Val1150Gly; replaces valine 1150 with glycine.
Molecular consequence: missense variant.
Genome position (GRCh38, 1-based): chr4:15,569,343, T>G. VCF-style: chr4-15569343-T-G. GRCh37 (hg19) VCF-style: chr4-15570966-T-G.
Other names: c.3449T>G, p.Val1150Gly (NM_001080522.2); c.3302T>G, p.Val1101Gly (NM_001378617.1); short protein forms V1150G, V1101G.
Identifiers: ClinVar variation 4789746 (VCV004789746.1).